The following is an entry in ClinVar:

NM_032043.3(BRIP1):c.1471C>T (p.Gln491Ter)

Gene: BRIP1 (BRCA1 interacting DNA helicase 1; minus strand). Cytogenetic location: 17q23.2.
Variant type: single nucleotide variant.
Coding change: c.1471C>T on transcript NM_032043.3 (MANE Select); coding-DNA position 1471, C replaced by T.
Protein change: p.Gln491Ter; replaces glutamine 491 with a stop codon.
Molecular consequence: nonsense.
Genome position (GRCh38, 1-based): chr17:61,793,599, G>A on the plus strand (C>T on the coding strand, the complement: BRIP1 is on the minus strand). VCF-style: chr17-61793599-G-A. GRCh37 (hg19) VCF-style: chr17-59870960-G-A.
Other names: short protein forms Q491*.
Identifiers: ClinVar variation 1910037 (VCV001910037.9), dbSNP rs2545105477, ClinGen allele CA400482033.
Genomic context (GRCh38, chr17:61,793,599, plus strand): 5'-ACGACTAAATCACTTCTAATTCACTAAATACGTTTCACAGGTAGAAAAAATATCTTACCT[G>A]CAAAATGGGAAAAGTAGCAGTGGTGATACCCATTTTGTGTAAAGTTAAGAGCATTTCATT-3'

ClinVar aggregate classification (germline): Pathogenic/Likely pathogenic. Review status: criteria provided, multiple submitters, no conflicts (2 of 4 stars). 3 submissions from 3 submitters: Pathogenic (2); Likely pathogenic (1). Last evaluated 2023-06-02.

Conditions:
Familial cancer of breast. Also called: BREAST CANCER, FAMILIAL; Hereditary breast cancer; hereditary breast carcinoma. Identifiers: Orphanet 227535, MedGen C0346153, MONDO:0016419, OMIM 114480. Disease mechanism: loss of function.
Fanconi anemia complementation group J. Also called: BRIP1-Related Fanconi Anemia. Identifiers: Orphanet 84, MedGen C1836860, MONDO:0012187, OMIM 609054.

Submissions (3):

Myriad Genetics, Inc.
Classification: Pathogenic for Familial cancer of breast. Last evaluated: 2023-06-02. Review status: criteria provided, single submitter. Criteria: Myriad Autosomal Dominant, Autosomal Recessive and X-Linked Classification Criteria (2023). Collection method: clinical testing. Allele origin: unknown.
Comment: This variant is considered pathogenic. This variant creates a termination codon and is predicted to result in premature protein truncation.

Labcorp Genetics (formerly Invitae), Labcorp
Classification: Pathogenic for Familial cancer of breast; Fanconi anemia complementation group J. Last evaluated: 2022-02-18. Review status: criteria provided, single submitter. Criteria: Invitae Variant Classification Sherloc (09022015). Collection method: clinical testing. Allele origin: germline.
Comment: For these reasons, this variant has been classified as Pathogenic. This variant has not been reported in the literature in individuals affected with BRIP1-related conditions. This variant is not present in population databases (gnomAD no frequency). This sequence change creates a premature translational stop signal (p.Gln491*) in the BRIP1 gene. It is expected to result in an absent or disrupted protein product. Loss-of-function variants in BRIP1 are known to be pathogenic (PMID: 16116423, 17033622, 21964575).

Juno Genomics, Hangzhou Juno Genomics, Inc
Classification: Likely pathogenic for Familial cancer of breast; Fanconi anemia complementation group J. Review status: criteria provided, single submitter. Criteria: ACMG Guidelines, 2015. Collection method: clinical testing. Allele origin: germline.
Comment: Absent from controls (or at extremely low frequency if recessive) in Genome Aggregation Database.;Null variant in a gene where loss of function (LOF) is a known mechanism of disease.

Literature cited by the submitters: PubMed 16116423 (cited by Labcorp Genetics (formerly Invitae), Labcorp); PubMed 17033622 (cited by Labcorp Genetics (formerly Invitae), Labcorp); PubMed 21964575 (cited by Labcorp Genetics (formerly Invitae), Labcorp).